The following is an entry in ClinVar:

ClinVar aggregate classification (germline): Benign/Likely benign. Review status: criteria provided, multiple submitters, no conflicts (2 of 4 stars). 11 submissions from 11 submitters: Benign (2); Likely benign (6). 3 of the submissions do not count toward it. Last evaluated 2026-07-01.

Conditions:
NOTCH2-related disorder. Also called: NOTCH2-related condition.
Alagille syndrome due to a NOTCH2 point mutation. Also called: Alagille syndrome 2. Identifiers: Orphanet 261629, Orphanet 52, MedGen C1857761, MONDO:0012439, OMIM 610205.
Hajdu-Cheney syndrome (HJCYS). Also called: ACROOSTEOLYSIS WITH OSTEOPOROSIS AND CHANGES IN SKULL AND MANDIBLE; Acroosteolysis dominant type; SERPENTINE FIBULA-POLYCYSTIC KIDNEY SYNDROME. Identifiers: Orphanet 955, MedGen C0917715, MONDO:0007057, OMIM 102500.
Hirschsprung disease, susceptibility to, 1 (HSCR1). Also called: RET-Related Hirschsprung Disease. Identifiers: Orphanet 388, MedGen C3888239, MONDO:0007723, OMIM 142623.

Allele frequency attached by ClinVar (database versions not stated): ESP Exome Variant Server 0.00208; 1000 Genomes Project 30x 0.00062; 1000 Genomes Project 0.00080; ExAC 0.00179; TOPMed 0.00211; gnomAD 0.00214 and 0.00228.

Submissions (11):

CeGaT Center for Human Genetics Tuebingen
Classification: Likely benign. Last evaluated: 2026-07-01. Review status: criteria provided, single submitter. Criteria: CeGaT Center For Human Genetics Tuebingen Variant Classification Criteria Version 2. Collection method: clinical testing. Allele origin: germline. Affected: yes. Observed: 10 variant alleles.
Comment: NOTCH2: BS2

Labcorp Genetics (formerly Invitae), Labcorp
Classification: Likely benign for Hajdu-Cheney syndrome. Last evaluated: 2026-01-24. Review status: criteria provided, single submitter. Criteria: Invitae Variant Classification Sherloc (09022015). Collection method: clinical testing. Allele origin: germline.

Blueprint Genetics
Classification: Likely benign. Last evaluated: 2024-11-22. Review status: criteria provided, single submitter. Criteria: ACMG Guidelines, 2015. Collection method: clinical testing. Allele origin: germline.

Fulgent Genetics
Classification: Benign for Hajdu-Cheney syndrome; Alagille syndrome due to a NOTCH2 point mutation. Last evaluated: 2021-10-05. Review status: criteria provided, single submitter. Criteria: ACMG Guidelines, 2015. Collection method: clinical testing. Allele origin: unknown.

GeneDx
Classification: Benign. Last evaluated: 2021-01-21. Review status: criteria provided, single submitter. Criteria: GeneDx Variant Classification Process June 2021. Collection method: clinical testing. Allele origin: germline. Affected: yes.
Comment: In silico analysis, which includes protein predictors and evolutionary conservation, supports that this variant does not alter protein structure/function; Reported in possible association with primary ovarian insufficiency, congenital heart disease, and colorectal cancer (Patino et al., 2019; Patino et al., 2017; Priest et al., 2016; Timofeeva et al., 2015); Functional studies showed that p.L2408H did not demonstrate any significant change in NOTCH2 transcriptional activity compared with the wild type rates (Priest et al., 2016; Patino et al., 2019); This variant is associated with the following publications: (PMID: 28505269, 29089047, 30304577, 27058611, 26553438, 30651579, 33195954)

Laboratorio de Genetica e Diagnostico Molecular, Hospital Israelita Albert Einstein
Classification: Likely benign. Last evaluated: 2020-01-20. Review status: criteria provided, single submitter. Criteria: ACMG Guidelines, 2015. Collection method: clinical testing. Allele origin: germline. Affected: yes.
Comment: ACMG classification criteria: BS1, BP4

Eurofins Ntd Llc (ga)
Classification: Likely benign. Last evaluated: 2016-02-05. Review status: criteria provided, single submitter. Criteria: EGL Classification Definitions 2015. Collection method: clinical testing. Allele origin: germline. Observed: 1 variant allele, 1 heterozygote.

Genomic Diagnostic Laboratory, Division of Genomic Diagnostics, Children's Hospital of Philadelphia
Classification: Likely benign. Last evaluated: 2015-12-17. Review status: criteria provided, single submitter. Criteria: DGD Variant Analysis Guidelines. Collection method: clinical testing. Allele origin: unknown.

PreventionGenetics, part of Exact Sciences
Classification: Likely benign for NOTCH2-related condition. Last evaluated: 2019-05-22. Review status: no assertion criteria provided. Collection method: clinical testing. Allele origin: germline. Not counted in ClinVar's aggregate classification.
Comment: This variant is classified as likely benign based on ACMG/AMP sequence variant interpretation guidelines (Richards et al. 2015 PMID: 25741868, with internal and published modifications).

Clinical Genetics, Erasmus University Medical Center
Classification: Uncertain significance for Hirschsprung disease, susceptibility to, 1. Last evaluated: 2016-11-18. Review status: no assertion criteria provided. Collection method: clinical testing. Allele origin: germline. Inheritance: Oligogenic inheritance. Affected: yes. Observed: 1 variant allele, 1 heterozygote. Not counted in ClinVar's aggregate classification.

ITMI
No classification provided. Condition: AllHighlyPenetrant. Last evaluated: 2013-09-19. Review status: no classification provided. Collection method: reference population. Allele origin: germline. Not counted in ClinVar's aggregate classification.
Comment: Please see associated publication for description of ethnicities

Literature cited by the submitters: PubMed 24728327 (cited by ITMI).

NM_024408.4(NOTCH2):c.7223T>A (p.Leu2408His)

Gene: NOTCH2 (notch receptor 2; minus strand). Cytogenetic location: 1p12.
Variant type: single nucleotide variant.
Coding change: c.7223T>A on transcript NM_024408.4 (MANE Select); coding-DNA position 7223, T replaced by A.
Protein change: p.Leu2408His; replaces leucine 2408 with histidine.
Molecular consequence: missense variant.
Genome position (GRCh38, 1-based): chr1:119,915,499, A>T on the plus strand (T>A on the coding strand, the complement: NOTCH2 is on the minus strand). VCF-style: chr1-119915499-A-T. GRCh37 (hg19) VCF-style: chr1-120458122-A-T.
Other names: short protein forms L2408H.
Identifiers: ClinVar variation 134987 (VCV000134987.47), dbSNP rs35586704, ClinGen allele CA161301.